The following is an entry in ClinVar:

NM_152383.5(DIS3L2):c.1934C>T (p.Thr645Ile)

Gene: DIS3L2 (DIS3 like 3'-5' exoribonuclease 2; plus strand). Cytogenetic location: 2q37.1.
Variant type: single nucleotide variant.
Coding change: c.1934C>T on transcript NM_152383.5 (MANE Select); coding-DNA position 1934, C replaced by T.
Protein change: p.Thr645Ile; replaces threonine 645 with isoleucine.
Molecular consequence: missense variant. On other transcripts: non-coding transcript variant (2), intron variant (1).
Genome position (GRCh38, 1-based): chr2:232,330,700, C>T. VCF-style: chr2-232330700-C-T. GRCh37 (hg19) VCF-style: chr2-233195410-C-T.
Other names: c.1582-12645C>T (NM_001257281.2); short protein forms T645I.
Identifiers: ClinVar variation 953347 (VCV000953347.9), dbSNP rs1417371388, ClinGen allele CA350976489.

ClinVar aggregate classification (germline): Uncertain significance (1 of 4 stars; one submission).

Conditions:
Perlman syndrome (PRLMNS). Identifiers: Orphanet 2849, MedGen C0796113, MONDO:0009965, OMIM 267000.

Submission:

Labcorp Genetics (formerly Invitae), Labcorp
Classification: Uncertain significance for Perlman syndrome. Last evaluated: 2022-01-15. Review status: criteria provided, single submitter. Criteria: Invitae Variant Classification Sherloc (09022015). Collection method: clinical testing. Allele origin: germline.
Comment: Algorithms developed to predict the effect of missense changes on protein structure and function (SIFT, PolyPhen-2, Align-GVGD) all suggest that this variant is likely to be tolerated. ClinVar contains an entry for this variant (Variation ID: 953347). This variant has not been reported in the literature in individuals affected with DIS3L2-related conditions. This variant is not present in population databases (gnomAD no frequency). This sequence change replaces threonine, which is neutral and polar, with isoleucine, which is neutral and non-polar, at codon 645 of the DIS3L2 protein (p.Thr645Ile). In summary, the available evidence is currently insufficient to determine the role of this variant in disease. Therefore, it has been classified as a Variant of Uncertain Significance.